The following is an entry in ClinVar:

ClinVar aggregate classification (germline): Uncertain significance. Review status: criteria provided, multiple submitters, no conflicts (2 of 4 stars). 2 submissions from 2 submitters: Uncertain significance (2). Last evaluated 2025-09-17.

Conditions:
Exostoses, multiple, type 2 (EXT2). Also called: Hereditary Multiple Osteochondromatosis, Type II; EXOSTOSES, MULTIPLE, TYPE II. Identifiers: Orphanet 321, MedGen C1851413, MONDO:0007586, OMIM 133701.
EXT2-related disorder. Also called: EXT2-related condition.

Allele frequency attached by ClinVar (database versions not stated): gnomAD exomes 0.00001.
gnomAD v4.1: 4 of 1,612,496 alleles (0.00025%); highest among the groups gnomAD compares: Non-Finnish European, 0.00034%; no homozygotes.

Submissions (2):

Labcorp Genetics (formerly Invitae), Labcorp
Classification: Uncertain significance for Exostoses, multiple, type 2. Last evaluated: 2025-09-17. Review status: criteria provided, single submitter. Criteria: Invitae Variant Classification Sherloc (09022015). Collection method: clinical testing. Allele origin: germline.
Comment: This sequence change replaces alanine, which is neutral and non-polar, with proline, which is neutral and non-polar, at codon 175 of the EXT2 protein (p.Ala175Pro). This variant is present in population databases (no rsID available, gnomAD 0.0009%). This variant has not been reported in the literature in individuals affected with EXT2-related conditions. ClinVar contains an entry for this variant (Variation ID: 2628586). Invitae Evidence Modeling of protein sequence and biophysical properties (such as structural, functional, and spatial information, amino acid conservation, physicochemical variation, residue mobility, and thermodynamic stability) has been performed for this missense variant. However, the output from this modeling did not meet the statistical confidence thresholds required to predict the impact of this variant on EXT2 protein function. In summary, the available evidence is currently insufficient to determine the role of this variant in disease. Therefore, it has been classified as a Variant of Uncertain Significance.

PreventionGenetics, part of Exact Sciences
Classification: Uncertain significance for EXT2-related condition. Last evaluated: 2023-03-06. Review status: criteria provided, single submitter. Criteria: ACMG Guidelines, 2015. Collection method: clinical testing. Allele origin: germline.
Comment: The EXT2 c.523G>C variant is predicted to result in the amino acid substitution p.Ala175Pro. To our knowledge, this variant has not been reported in the literature. This variant is reported in 0.00089% of alleles in individuals of European (Non-Finnish) descent in gnomAD. At this time, the clinical significance of this variant is uncertain due to the absence of conclusive functional and genetic evidence.

NM_207122.2(EXT2):c.523G>C (p.Ala175Pro)

Gene: EXT2 (exostosin glycosyltransferase 2; plus strand). Cytogenetic location: 11p11.2.
Variant type: single nucleotide variant.
Coding change: c.523G>C on transcript NM_207122.2 (MANE Select); coding-DNA position 523, G replaced by C.
Protein change: p.Ala175Pro; replaces alanine 175 with proline.
Molecular consequence: missense variant.
Genome position (GRCh38, 1-based): chr11:44,108,235, G>C. VCF-style: chr11-44108235-G-C. GRCh37 (hg19) VCF-style: chr11-44129785-G-C.
Other names: c.622G>C, p.Ala208Pro (NM_000401.3); c.523G>C, p.Ala175Pro (NM_001178083.3, NM_001389628.1, NM_001389630.1); short protein forms A175P, A208P.
Identifiers: ClinVar variation 2628586 (VCV002628586.2), dbSNP rs1284937347, ClinGen allele CA380180522.